The following is an entry in ClinVar:

NM_006446.5(SLCO1B1):c.597C>T (p.Phe199=)

Gene: SLCO1B1 (solute carrier organic anion transporter family member 1B1; plus strand). Cytogenetic location: 12p12.1.
Variant type: single nucleotide variant.
Coding change: c.597C>T on transcript NM_006446.5 (MANE Select); coding-DNA position 597, C replaced by T.
Protein change: p.Phe199=; no amino-acid change (phenylalanine 199 retained).
Molecular consequence: synonymous variant.
Genome position (GRCh38, 1-based): chr12:21,178,691, C>T. VCF-style: chr12-21178691-C-T. GRCh37 (hg19) VCF-style: chr12-21331625-C-T.
Other names: c.597C>T (LRG_1022t1).
Identifiers: ClinVar variation 259985 (VCV000259985.29), dbSNP rs2291075, ClinGen allele CA6476742.
Genomic context (GRCh38, chr12:21,178,691, plus strand): 5'-GCTTCGTGGAATAGGGGAGACTCCCATAGTACCATTGGGGCTTTCTTACATTGATGATTT[C>T]GCTAAAGAAGGACATTCTTCTTTGTATTTAGGTAATGTACACAAAATATTAAATTGTATG-3'
Protein context (NP_006437.3, residues 189-209): VPLGLSYIDD[Phe199=]AKEGHSSLYL

ClinVar aggregate classification (germline): Benign. Review status: criteria provided, multiple submitters, no conflicts (2 of 4 stars). 8 submissions from 8 submitters: Benign (5). 3 of the submissions do not count toward it. Last evaluated 2025-07-31.

Conditions:
SLCO1B1-related disorder. Also called: SLCO1B1-related condition.
Rotor syndrome (HBLRR). Also called: HYPERBILIRUBINEMIA, ROTOR TYPE, DIGENIC; HYPERBILIRUBINEMIA, ROTOR TYPE. Identifiers: Orphanet 3111, MedGen C0220991, MONDO:0009379, OMIM 237450.

Allele frequency attached by ClinVar (database versions not stated): gnomAD exomes 0.38100 and 0.38214; ExAC 0.38514; 1000 Genomes Project 0.41554; 1000 Genomes Project 30x 0.41740; gnomAD 0.43870 and 0.44938; TOPMed 0.44085; ESP Exome Variant Server 0.44895.
gnomAD v4.1: 618,618 of 1,596,296 alleles (39%); highest among the groups gnomAD compares: African/African-American, 56%; 124,806 homozygotes.

Submissions (8):

ARUP Laboratories, Molecular Genetics and Genomics, ARUP Laboratories
Classification: Benign for Rotor syndrome. Last evaluated: 2025-07-31. Review status: criteria provided, single submitter. Criteria: ARUP Molecular Germline Variant Investigation Process 2024. Collection method: clinical testing. Allele origin: germline.

Genome-Nilou Lab
Classification: Benign for Rotor syndrome. Last evaluated: 2021-07-15. Review status: criteria provided, single submitter. Criteria: ACMG Guidelines, 2015. Collection method: clinical testing. Allele origin: germline. Affected: no.

GeneDx
Classification: Benign. Last evaluated: 2018-11-12. Review status: criteria provided, single submitter. Criteria: GeneDx Variant Classification Process June 2021. Collection method: clinical testing. Allele origin: germline. Affected: yes.

Illumina Laboratory Services, Illumina
Classification: Benign for Rotor syndrome. Last evaluated: 2018-01-13. Review status: criteria provided, single submitter. Criteria: ICSL Variant Classification Criteria 13 December 2019. Collection method: clinical testing. Allele origin: germline.
Comment: This variant was observed in the ICSL laboratory as part of a predisposition screen in an ostensibly healthy population. It had not been previously curated by ICSL or reported in the Human Gene Mutation Database (HGMD: prior to June 1st, 2018), and was therefore a candidate for classification through an automated scoring system. Utilizing variant allele frequency, disease prevalence and penetrance estimates, and inheritance mode, an automated score was calculated to assess if this variant is too frequent to cause the disease. Based on the score and internal cut-off values, a variant classified as benign is not then subjected to further curation. The score for this variant resulted in a classification of benign for this disease.

Breakthrough Genomics
Classification: Benign. Review status: criteria provided, single submitter. Criteria: ACMG Guidelines, 2015. Collection method: not provided. Allele origin: germline. Inheritance: Autosomal recessive inheritance. Affected: yes.

PreventionGenetics, part of Exact Sciences
Classification: Likely benign for SLCO1B1-related condition. Last evaluated: 2021-07-21. Review status: no assertion criteria provided. Collection method: clinical testing. Allele origin: germline. Not counted in ClinVar's aggregate classification.
Comment: This variant is classified as likely benign based on ACMG/AMP sequence variant interpretation guidelines (Richards et al. 2015 PMID: 25741868, with internal and published modifications).

Clinical Genetics, Academic Medical Center
Classification: Benign. Review status: no assertion criteria provided. Collection method: clinical testing. Allele origin: germline. Affected: yes. Study: VKGL Data-share Consensus. Not counted in ClinVar's aggregate classification.

Joint Genome Diagnostic Labs from Nijmegen and Maastricht, Radboudumc and MUMC+
Classification: Benign. Review status: no assertion criteria provided. Collection method: clinical testing. Allele origin: germline. Affected: yes. Study: VKGL Data-share Consensus. Not counted in ClinVar's aggregate classification.